The following is an entry in ClinVar:

NM_014669.5(NUP93):c.1211G>A (p.Ser404Asn)

Gene: NUP93 (nucleoporin 93; plus strand). Cytogenetic location: 16q13.
Variant type: single nucleotide variant.
Coding change: c.1211G>A on transcript NM_014669.5 (MANE Select); coding-DNA position 1211, G replaced by A.
Protein change: p.Ser404Asn; replaces serine 404 with asparagine.
Molecular consequence: missense variant.
Genome position (GRCh38, 1-based): chr16:56,831,967, G>A. VCF-style: chr16-56831967-G-A. GRCh37 (hg19) VCF-style: chr16-56865879-G-A.
Other names: c.1211G>A (NM_014669.4); c.842G>A, p.Ser281Asn (NM_001242795.2, NM_001242796.2); short protein forms S404N, S281N.
Identifiers: ClinVar variation 2063591 (VCV002063591.2), dbSNP rs150950239, ClinGen allele CA8068345.

ClinVar aggregate classification (germline): Uncertain significance. Review status: criteria provided, multiple submitters, no conflicts (2 of 4 stars). 2 submissions from 2 submitters: Uncertain significance (2). Last evaluated 2025-08-04.

Conditions:
Inborn genetic diseases. Identifiers: MedGen C0950123, MeSH D030342.

Allele frequency attached by ClinVar (database versions not stated): gnomAD exomes 0.00004; ExAC 0.00015; gnomAD 0.00046; ESP Exome Variant Server 0.00054; TOPMed 0.00054; 1000 Genomes Project 30x 0.00094; 1000 Genomes Project 0.00100.
gnomAD v4.1: 128 of 1,614,126 alleles (0.0079%); highest among the groups gnomAD compares: African/African-American, 0.14%; 1 homozygote.

Submissions (2):

Ambry Genetics
Classification: Uncertain significance for Inborn genetic diseases. Last evaluated: 2025-08-04. Review status: criteria provided, single submitter. Criteria: Ambry Variant Classification Scheme 2023. Collection method: clinical testing. Allele origin: germline.

Labcorp Genetics (formerly Invitae), Labcorp
Classification: Uncertain significance. Last evaluated: 2021-12-20. Review status: criteria provided, single submitter. Criteria: Invitae Variant Classification Sherloc (09022015). Collection method: clinical testing. Allele origin: germline.
Comment: This sequence change replaces serine, which is neutral and polar, with asparagine, which is neutral and polar, at codon 404 of the NUP93 protein (p.Ser404Asn). This variant is present in population databases (rs150950239, gnomAD 0.1%). This variant has not been reported in the literature in individuals affected with NUP93-related conditions. Algorithms developed to predict the effect of missense changes on protein structure and function (SIFT, PolyPhen-2, Align-GVGD) all suggest that this variant is likely to be tolerated. In summary, the available evidence is currently insufficient to determine the role of this variant in disease. Therefore, it has been classified as a Variant of Uncertain Significance.